The following is an entry in ClinVar:

NM_006302.3(MOGS):c.950G>A (p.Gly317Glu)

Gene: MOGS (mannosyl-oligosaccharide glucosidase; minus strand). Cytogenetic location: 2p13.1.
Variant type: single nucleotide variant.
Coding change: c.950G>A on transcript NM_006302.3 (MANE Select); coding-DNA position 950, G replaced by A.
Protein change: p.Gly317Glu; replaces glycine 317 with glutamic acid.
Molecular consequence: missense variant.
Genome position (GRCh38, 1-based): chr2:74,462,839, C>T on the plus strand (G>A on the coding strand, the complement: MOGS is on the minus strand). VCF-style: chr2-74462839-C-T. GRCh37 (hg19) VCF-style: chr2-74689966-C-T.
Other names: c.632G>A, p.Gly211Glu (NM_001146158.2); c.950G>A (NM_006302.2); short protein forms G317E, G211E.
Identifiers: ClinVar variation 1953553 (VCV001953553.6), dbSNP rs1303668059, ClinGen allele CA347378386.

ClinVar aggregate classification (germline): Uncertain significance. Review status: criteria provided, multiple submitters, no conflicts (2 of 4 stars). 2 submissions from 2 submitters: Uncertain significance (2). Last evaluated 2024-08-20.

Conditions:
Inborn genetic diseases. Identifiers: MedGen C0950123, MeSH D030342.
MOGS-congenital disorder of glycosylation. Also called: MOGS-CDG; CDG IIb; CDG 2B; GLUCOSIDASE I DEFICIENCY. Identifiers: Orphanet 79330, MedGen C1853736, MONDO:0011629, OMIM 606056.

Allele frequency attached by ClinVar (database versions not stated): TOPMed below 0.00001; gnomAD 0.00001; gnomAD exomes 0.00001.
gnomAD v4.1: 10 of 1,614,090 alleles (0.00062%); highest among the groups gnomAD compares: Non-Finnish European, 0.00085%; no homozygotes.

Submissions (2):

Ambry Genetics
Classification: Uncertain significance for Inborn genetic diseases. Last evaluated: 2024-08-20. Review status: criteria provided, single submitter. Criteria: Ambry Variant Classification Scheme 2023. Collection method: clinical testing. Allele origin: germline.

Labcorp Genetics (formerly Invitae), Labcorp
Classification: Uncertain significance for MOGS-congenital disorder of glycosylation. Last evaluated: 2022-04-12. Review status: criteria provided, single submitter. Criteria: Invitae Variant Classification Sherloc (09022015). Collection method: clinical testing. Allele origin: germline.
Comment: This variant is present in population databases (no rsID available, gnomAD 0.0009%). This sequence change replaces glycine, which is neutral and non-polar, with glutamic acid, which is acidic and polar, at codon 317 of the MOGS protein (p.Gly317Glu). This variant has not been reported in the literature in individuals affected with MOGS-related conditions. Algorithms developed to predict the effect of missense changes on protein structure and function are either unavailable or do not agree on the potential impact of this missense change (SIFT: "Tolerated"; PolyPhen-2: "Possibly Damaging"; Align-GVGD: "Class C0"). In summary, the available evidence is currently insufficient to determine the role of this variant in disease. Therefore, it has been classified as a Variant of Uncertain Significance.